The following is an entry in ClinVar:

ClinVar aggregate classification (germline): Likely pathogenic (1 of 4 stars; one submission).

Conditions:
Dilated cardiomyopathy 1G (CMD1G). Identifiers: Orphanet 154, MedGen C1858763, MONDO:0011400, OMIM 604145.
Autosomal recessive limb-girdle muscular dystrophy type 2J (LGMDR10). Also called: MUSCULAR DYSTROPHY, LIMB-GIRDLE, AUTOSOMAL RECESSIVE 10; Limb-girdle muscular dystrophy, type 2J. Identifiers: Orphanet 140922, MedGen C1837342, MONDO:0012127, OMIM 608807.

Submission:

Labcorp Genetics (formerly Invitae), Labcorp
Classification: Likely pathogenic for Dilated cardiomyopathy 1G; Autosomal recessive limb-girdle muscular dystrophy type 2J. Last evaluated: 2021-05-25. Review status: criteria provided, single submitter. Criteria: Invitae Variant Classification Sherloc (09022015). Collection method: clinical testing. Allele origin: germline.
Comment: This variant is a complex rearrangement of the genomic region encompassing exons 210-331 of the TTN gene. Although the exact nature of the event is unknown, it likely involves the deletion of exons 210-218, 321-330 and part of exons 320 and 331 and possibly an inversion of exons 219-319. While this is not anticipated to result in nonsense mediated decay, it is expected to create a truncated TTN protein. In summary, the currently available evidence indicates that the variant is pathogenic, but additional data are needed to prove that conclusively. Therefore, this variant has been classified as Likely Pathogenic. This variant is located in the I and A bands of TTN (PMID: 25589632). The truncation likely occurs in the A band. Truncating variants in A band are significantly overrepresented in patients affected with dilated cardiomyopathy (PMID: 25589632). Truncating variants in this region have also been reported in individuals affected with autosomal recessive centronuclear myopathy (PMID: 23975875). This variant has not been reported in the literature in individuals with TTN-related conditions.

Literature cited by the submitters: PubMed 25589632; PubMed 23975875.

NC_000002.11:g.(?_179419793)_(179515001_?)del

Gene: TTN (titin; minus strand). Cytogenetic location: 2q31.2.
Variant type: Deletion.
Identifiers: ClinVar variation 1504816 (VCV001504816.8).